The following is an entry in ClinVar:

NM_004715.5(CTDP1):c.954G>A (p.Lys318=)

Gene: CTDP1 (CTD phosphatase subunit 1; plus strand). Cytogenetic location: 18q23.
Variant type: single nucleotide variant.
Coding change: c.954G>A on transcript NM_004715.5 (MANE Select); coding-DNA position 954, G replaced by A.
Protein change: p.Lys318=; no amino-acid change (lysine 318 retained).
Molecular consequence: synonymous variant.
Genome position (GRCh38, 1-based): chr18:79,713,062, G>A. VCF-style: chr18-79713062-G-A. GRCh37 (hg19) VCF-style: chr18-77473062-G-A.
Other names: c.597G>A, p.Lys199= (NM_001202504.1); c.954G>A, p.Lys318= (NM_001318511.2, NM_048368.4).
Identifiers: ClinVar variation 2003827 (VCV002003827.4), dbSNP rs2512077098, ClinGen allele CA504596319.

ClinVar aggregate classification (germline): Uncertain significance (1 of 4 stars; one submission).

Submission:

Labcorp Genetics (formerly Invitae), Labcorp
Classification: Uncertain significance. Last evaluated: 2022-08-17. Review status: criteria provided, single submitter. Criteria: Invitae Variant Classification Sherloc (09022015). Collection method: clinical testing. Allele origin: germline.
Comment: In summary, the available evidence is currently insufficient to determine the role of this variant in disease. Therefore, it has been classified as a Variant of Uncertain Significance. Algorithms developed to predict the effect of sequence changes on RNA splicing suggest that this variant may create or strengthen a splice site. This variant has not been reported in the literature in individuals affected with CTDP1-related conditions. This variant is not present in population databases (gnomAD no frequency). This sequence change affects codon 318 of the CTDP1 mRNA. It is a 'silent' change, meaning that it does not change the encoded amino acid sequence of the CTDP1 protein.